The following is an entry in ClinVar:

ClinVar aggregate classification (germline): Uncertain significance (1 of 4 stars; one submission).

Submission:

Ambry Genetics
Classification: Uncertain significance. Last evaluated: 2023-11-05. Review status: criteria provided, single submitter. Criteria: Ambry Variant Classification Scheme 2023. Collection method: clinical testing. Allele origin: germline.
Comment: The p.F2499V variant (also known as c.7495T>G), located in coding exon 56 of the PRKDC gene, results from a T to G substitution at nucleotide position 7495. The phenylalanine at codon 2499 is replaced by valine, an amino acid with highly similar properties. This amino acid position is conserved. In addition, the in silico prediction for this alteration is inconclusive. Since supporting evidence is limited at this time, the clinical significance of this alteration remains unclear.

NM_006904.7(PRKDC):c.7495T>G (p.Phe2499Val)

Gene: PRKDC (protein kinase, DNA-activated, catalytic subunit; minus strand). Cytogenetic location: 8q11.21.
Variant type: single nucleotide variant.
Coding change: c.7495T>G on transcript NM_006904.7 (MANE Select); coding-DNA position 7495, T replaced by G.
Protein change: p.Phe2499Val; replaces phenylalanine 2499 with valine.
Molecular consequence: missense variant.
Genome position (GRCh38, 1-based): chr8:47,839,206, A>C on the plus strand (T>G on the coding strand, the complement: PRKDC is on the minus strand). VCF-style: chr8-47839206-A-C. GRCh37 (hg19) VCF-style: chr8-48751767-A-C.
Other names: c.7495T>G, p.Phe2499Val (NM_001081640.2); short protein forms F2499V.
Identifiers: ClinVar variation 3225909 (VCV003225909.1), dbSNP rs1327470454, ClinGen allele CA371154601.